The following is an entry in ClinVar:

ClinVar aggregate classification (germline): Uncertain significance (1 of 4 stars; one submission).

Submission:

GeneDx
Classification: Uncertain significance. Last evaluated: 2024-11-18. Review status: criteria provided, single submitter. Criteria: GeneDx Variant Classification Process June 2021. Collection method: clinical testing. Allele origin: germline. Affected: yes.
Comment: Not observed at significant frequency in large population cohorts (gnomAD); In silico analysis supports that this missense variant has a deleterious effect on protein structure/function; Has not been previously published as pathogenic or benign to our knowledge

NM_002449.5(MSX2):c.514C>A (p.Arg172Ser)

Gene: MSX2 (msh homeobox 2; plus strand). Cytogenetic location: 5q35.2.
Variant type: single nucleotide variant.
Coding change: c.514C>A on transcript NM_002449.5 (MANE Select); coding-DNA position 514, C replaced by A.
Protein change: p.Arg172Ser; replaces arginine 172 with serine.
Molecular consequence: missense variant. On other transcripts: 3 prime UTR variant (1).
Genome position (GRCh38, 1-based): chr5:174,729,293, C>A. VCF-style: chr5-174729293-C-A. GRCh37 (hg19) VCF-style: chr5-174156296-C-A.
Other names: c.*138C>A (NM_001363626.2); short protein forms R172S.
Identifiers: ClinVar variation 3899405 (VCV003899405.1).